The following is an entry in ClinVar:

ClinVar aggregate classification (germline): Pathogenic (1 of 4 stars; one submission).

Submission:

Quest Diagnostics Nichols Institute San Juan Capistrano
Classification: Pathogenic. Last evaluated: 2022-11-16. Review status: criteria provided, single submitter. Criteria: ACMG/ClinGen CNV Guidelines, 2019. Collection method: clinical testing. Allele origin: unknown.
Comment: This gain of 1q21.1q21.2 is associated with chromosome 1q21.1 duplication syndrome (OMIM 612475). De novo and inherited duplications of the 1q21.1 region have been associated with a broad range of features, and duplications are significantly enriched in schizophrenia and tetralogy of Fallot (TOF) cases compared with controls (Mefford 2008, Brunetti-Pierri 2008, Soemedi 2012, Dolcetti 2013, Digilio 2013, Bernier 2016, Wang 2017). Incomplete penetrance and variable expressivity have been demonstrated. There are no similar copy number gains of this region in the general populations of the Database of Genomic Variants. Thus, based on current medical literature and gene content, this copy number variant (CNV) is classified as pathogenic. References: Bernier et al., Genet Med. 2016 Apr;18(4):341-9. PMID: 26066539 Brunetti-Pierri et al., Nat Genet. 2008 Dec;40(12):1466-71. PMID: 19029900 Digilio et al., Eur J Med Genet. 2013 Mar;56(3):144-9. PMID: 23270675 Dolcetti et al., Genet Med. 2013 Apr;15(4):282-9. PMID: 23018752 Mefford et al., N Engl J Med. 2008 Oct 16;359(16):1685-99. PMID: 18784092 Soemedi et al., Hum Mol Genet. 2012 Apr 1;21(7):1513-20. PMID: 22199024 Wang et al., J Gene Med. 2017 Apr;19(4):e2948. PMID: 28220983

GRCh37/hg19 1q21.1-21.2(chr1:146112080-147399145)x3

Genes: ACP6 (acid phosphatase 6, lysophosphatidic; minus strand), BCL9 (BCL9 transcription coactivator; plus strand), CHD1L (chromodomain helicase DNA binding protein 1 like; plus strand), FMO5 (flavin containing dimethylaniline monoxygenase 5; minus strand), GJA5 (gap junction protein alpha 5; minus strand) and 3 more. Cytogenetic location: 1q21.1-21.2.
Variant type: copy number gain.
Change: copy number 3 (three copies instead of two) of chr1:146,112,080-147,399,145 (1.29 Mb, GRCh37 coordinates, 1-based), cytogenetic band 1q21.1-21.2.
Identifiers: ClinVar variation 980945 (VCV000980945.3).